The following is an entry in ClinVar:

NM_020232.5(PSMG2):c.537C>T (p.Ile179=)

Gene: PSMG2 (proteasome assembly chaperone 2; plus strand). Cytogenetic location: 18p11.21.
Variant type: single nucleotide variant.
Coding change: c.537C>T on transcript NM_020232.5 (MANE Select); coding-DNA position 537, C replaced by T.
Protein change: p.Ile179=; no amino-acid change (isoleucine 179 retained).
Molecular consequence: synonymous variant.
Genome position (GRCh38, 1-based): chr18:12,720,639, C>T. VCF-style: chr18-12720639-C-T. GRCh37 (hg19) VCF-style: chr18-12720638-C-T.
Other names: p.Ile179=; c.537C>T (NM_020232.4); c.444C>T, p.Ile148= (NM_147163.2).
Identifiers: ClinVar variation 1166913 (VCV001166913.28), dbSNP rs78701021, ClinGen allele CA8898426.

ClinVar aggregate classification (germline): Benign/Likely benign. Review status: criteria provided, multiple submitters, no conflicts (2 of 4 stars). 7 submissions from 7 submitters: Benign (3); Likely benign (3). 1 of the submissions does not count toward it. Last evaluated 2026-08-01.

Conditions:
PSMG2-related disorder. Also called: PSMG2-related condition.

Allele frequency attached by ClinVar (database versions not stated): 1000 Genomes Project 0.00100; 1000 Genomes Project 30x 0.00109; gnomAD exomes 0.00287 and 0.00511; TOPMed 0.00300; ExAC 0.00303; gnomAD 0.00311; ESP Exome Variant Server 0.00346.
gnomAD v4.1: 7,901 of 1,613,372 alleles (0.49%); highest among the groups gnomAD compares: Non-Finnish European, 0.62%; 28 homozygotes.

Submissions (7):

CeGaT Center for Human Genetics Tuebingen
Classification: Likely benign. Last evaluated: 2026-08-01. Review status: criteria provided, single submitter. Criteria: CeGaT Center For Human Genetics Tuebingen Variant Classification Criteria Version 2. Collection method: clinical testing. Allele origin: germline. Affected: yes. Observed: 4 variant alleles.
Comment: PSMG2: BP4, BP7, BS2

Labcorp Genetics (formerly Invitae), Labcorp
Classification: Benign. Last evaluated: 2026-02-03. Review status: criteria provided, single submitter. Criteria: Invitae Variant Classification Sherloc (09022015). Collection method: clinical testing. Allele origin: germline.

Mayo Clinic Laboratories, Mayo Clinic
Classification: Likely benign. Last evaluated: 2025-05-06. Review status: criteria provided, single submitter. Criteria: ACMG Guidelines, 2015. Collection method: clinical testing. Allele origin: germline. Observed: 2 variant alleles.
Comment: BS2, BP4, BP7

Women's Health and Genetics/Laboratory Corporation of America, LabCorp
Classification: Benign. Last evaluated: 2025-01-27. Review status: criteria provided, single submitter. Criteria: LabCorp Variant Classification Summary - May 2015. Collection method: clinical testing. Allele origin: germline.

Blueprint Genetics
Classification: Likely benign. Last evaluated: 2024-11-25. Review status: criteria provided, single submitter. Criteria: ACMG Guidelines, 2015. Collection method: clinical testing. Allele origin: germline.

Breakthrough Genomics
Classification: Benign. Review status: criteria provided, single submitter. Criteria: ACMG Guidelines, 2015. Collection method: not provided. Allele origin: germline. Inheritance: Autosomal recessive inheritance. Affected: yes.

PreventionGenetics, part of Exact Sciences
Classification: Likely benign for PSMG2-related condition. Last evaluated: 2023-10-11. Review status: no assertion criteria provided. Collection method: clinical testing. Allele origin: germline. Not counted in ClinVar's aggregate classification.
Comment: This variant is classified as likely benign based on ACMG/AMP sequence variant interpretation guidelines (Richards et al. 2015 PMID: 25741868, with internal and published modifications).